The following is an entry in ClinVar:

ClinVar aggregate classification (germline): Uncertain significance (1 of 4 stars; one submission).

Submission:

Labcorp Genetics (formerly Invitae), Labcorp
Classification: Uncertain significance. Last evaluated: 2023-12-07. Review status: criteria provided, single submitter. Criteria: Invitae Variant Classification Sherloc (09022015). Collection method: clinical testing. Allele origin: germline.
Comment: This sequence change replaces methionine, which is neutral and non-polar, with valine, which is neutral and non-polar, at codon 193 of the HNF1B protein (p.Met193Val). This variant is present in population databases (rs765951207, gnomAD 0.003%). This variant has not been reported in the literature in individuals affected with HNF1B-related conditions. Advanced modeling of protein sequence and biophysical properties (such as structural, functional, and spatial information, amino acid conservation, physicochemical variation, residue mobility, and thermodynamic stability) performed at Invitae indicates that this missense variant is not expected to disrupt HNF1B protein function with a negative predictive value of 80%. In summary, the available evidence is currently insufficient to determine the role of this variant in disease. Therefore, it has been classified as a Variant of Uncertain Significance.

NM_000458.4(HNF1B):c.577A>G (p.Met193Val)

Genes: HNF1B (HNF1 homeobox B; minus strand), LOC126862549 (BRD4-independent group 4 enhancer GRCh37_chr17:36093401-36094600; plus strand). Cytogenetic location: 17q12.
Variant type: single nucleotide variant.
Coding change: c.577A>G on transcript NM_000458.4 (MANE Select); coding-DNA position 577, A replaced by G.
Protein change: p.Met193Val; replaces methionine 193 with valine.
Molecular consequence: missense variant. On other transcripts: intron variant (2).
Genome position (GRCh38, 1-based): chr17:37,733,789, T>C on the plus strand (A>G on the coding strand, the complement: HNF1B is on the minus strand). VCF-style: chr17-37733789-T-C. GRCh37 (hg19) VCF-style: chr17-36093782-T-C.
Other names: c.577A>G, p.Met193Val (NM_001411100.1); c.545-46A>G (NM_001304286.2, NM_001165923.4); short protein forms M193V.
Identifiers: ClinVar variation 2811037 (VCV002811037.3), dbSNP rs765951207, ClinGen allele CA8519045.